The following is an entry in ClinVar:

NM_000535.7(PMS2):c.2513ACC[3] (p.His839_Pro840insHis)

Gene: PMS2 (PMS1 homolog 2, mismatch repair system component; minus strand). Cytogenetic location: 7p22.1.
Variant type: Microsatellite.
Coding change: c.2513ACC[3] on transcript NM_000535.7 (MANE Select); three copies in a row of the 3-base unit ACC starting at c.2513; the reference has two copies in a row; one copy, 3 bases duplicated.
Protein change: p.His839_Pro840insHis.
Molecular consequence: inframe insertion. On other transcripts: inframe indel (2), non-coding transcript variant (1).
Genome position (GRCh38, 1-based): chr7:5,973,470-5,973,472, GGT duplicated on the plus strand (ACC on the coding strand, the reverse complement: PMS2 is on the minus strand); duplicating any 3 consecutive bases within chr7:5,973,470-5,973,475 gives the same sequence; the position shown is the placement nearest the transcript's 3' end. VCF-style (leftmost placement, unchanged base first): chr7-5973469-G-GGGT. GRCh37 (hg19) VCF-style: chr7-6013100-G-GGGT.
Other names: c.2513_2515ACC[3], p.His839_Pro840insHis (NM_000535.5); c.2108ACC[3], p.His704_Pro705insHis (NM_001322003.2, NM_001322004.2, NM_001322005.2 and 11 more transcripts); c.2357ACC[3], p.His787_Pro788insHis (NM_001322006.2); c.2195ACC[3], p.His733_Pro734insHis (NM_001322007.2, NM_001322008.2, NM_001406883.1); c.2141ACC[3], p.His715_Pro716insHis (NM_001322009.2, NM_001406887.1, NM_001406888.1); c.1952ACC[3], p.His652_Pro653insHis (NM_001322010.2, NM_001406906.1, NM_001406907.1); c.1580ACC[3], p.His528_Pro529insHis (NM_001322011.2, NM_001322012.2); c.1940ACC[3], p.His648_Pro649insHis (NM_001322013.2, NM_001406908.1, NM_001406909.1); and 22 more.
Identifiers: ClinVar variation 4862100 (VCV004862100.1).

ClinVar aggregate classification (germline): Uncertain significance (1 of 4 stars; one submission).

Conditions:
Hereditary cancer-predisposing syndrome. Also called: Neoplastic Syndromes, Hereditary; Tumor predisposition; Hereditary Cancer Syndrome; Hereditary neoplastic syndrome. Identifiers: Orphanet 140162, MedGen C0027672, MeSH D009386, MONDO:0015356.

Submission:

Ambry Genetics
Classification: Uncertain significance for Hereditary cancer-predisposing syndrome. Last evaluated: 2026-04-10. Review status: criteria provided, single submitter. Criteria: Ambry Variant Classification Scheme 2023. Collection method: clinical testing. Allele origin: germline.
Comment: The c.2516_2518dupACC variant (also known as p.H839dup), located in coding exon 15 of the PMS2 gene, results from an in-frame duplication of ACC at nucleotide positions 2516 to 2518. This results in the duplication of an extra residue between codons 839 and 840. This amino acid position is well conserved in available vertebrate species. In addition, this variant is predicted to be deleterious by in silico analysis (Choi Y et al. PLoS ONE. 2012; 7(10):e46688). Based on the available evidence, the clinical significance of this variant remains unclear.